The following is an entry in ClinVar:

NM_000059.4(BRCA2):c.1937G>A (p.Ser646Asn)

Gene: BRCA2 (BRCA2 DNA repair associated; plus strand). Cytogenetic location: 13q13.1.
Variant type: single nucleotide variant.
Coding change: c.1937G>A on transcript NM_000059.4 (MANE Select); coding-DNA position 1937, G replaced by A.
Protein change: p.Ser646Asn; replaces serine 646 with asparagine.
Molecular consequence: missense variant.
Genome position (GRCh38, 1-based): chr13:32,336,292, G>A. VCF-style: chr13-32336292-G-A. GRCh37 (hg19) VCF-style: chr13-32910429-G-A.
Other names: c.1937G>A, p.Ser646Asn (NM_001406719.1, NM_001406720.1); short protein forms S646N.
Identifiers: ClinVar variation 1782985 (VCV001782985.4), dbSNP rs2137481974, ClinGen allele CA387768338.

ClinVar aggregate classification (germline): Likely benign. Review status: criteria provided, multiple submitters, no conflicts (2 of 4 stars). 2 submissions from 2 submitters: Likely benign (2). Last evaluated 2023-03-23.

Conditions:
Hereditary cancer-predisposing syndrome. Also called: Neoplastic Syndromes, Hereditary; Tumor predisposition; Hereditary Cancer Syndrome; Hereditary neoplastic syndrome. Identifiers: Orphanet 140162, MedGen C0027672, MeSH D009386, MONDO:0015356.

gnomAD v4.1: 1 of 1,603,196 alleles (0.000062%); no homozygotes.

Submissions (2):

University of Washington Department of Laboratory Medicine, University of Washington
Classification: Likely benign for Hereditary cancer-predisposing syndrome. Last evaluated: 2023-03-23. Review status: criteria provided, single submitter. Criteria: Dines et al. (Genet Med. 2020). Collection method: curation. Allele origin: germline.
Comment: Missense variant in a coldspot region where missense variants are very unlikely to be pathogenic (PMID:31911673).

BRCA2 exon 11 coldspot. Reclassification based on statistical prior probability.

Ambry Genetics
Classification: Likely benign for Hereditary cancer-predisposing syndrome. Last evaluated: 2020-08-27. Review status: criteria provided, single submitter. Criteria: Ambry Variant Classification Scheme 2023. Collection method: clinical testing. Allele origin: germline.